The following is an entry in ClinVar:

ClinVar aggregate classification (germline): Likely benign. Review status: criteria provided, multiple submitters, no conflicts (2 of 4 stars). 2 submissions from 2 submitters: Likely benign (2). Last evaluated 2026-02-01.

Allele frequency attached by ClinVar (database versions not stated): ExAC 0.00003; gnomAD 0.00007; TOPMed 0.00009; gnomAD exomes 0.00014; ESP Exome Variant Server 0.00015.
gnomAD v4.1: 219 of 1,613,826 alleles (0.014%); highest among the groups gnomAD compares: Non-Finnish European, 0.018%; no homozygotes.

Submissions (2):

CeGaT Center for Human Genetics Tuebingen
Classification: Likely benign. Last evaluated: 2026-02-01. Review status: criteria provided, single submitter. Criteria: CeGaT Center For Human Genetics Tuebingen Variant Classification Criteria Version 2. Collection method: clinical testing. Allele origin: germline. Affected: yes. Observed: 1 variant allele.
Comment: TRRAP: BP4

Labcorp Genetics (formerly Invitae), Labcorp
Classification: Likely benign. Last evaluated: 2024-11-01. Review status: criteria provided, single submitter. Criteria: Invitae Variant Classification Sherloc (09022015). Collection method: clinical testing. Allele origin: germline.

NM_001375524.1(TRRAP):c.10048-6T>C

Gene: TRRAP (transformation/transcription domain associated protein; plus strand). Cytogenetic location: 7q22.1.
Variant type: single nucleotide variant.
Coding change: c.10048-6T>C on transcript NM_001375524.1 (MANE Select); 6 bases into the intron before coding-DNA position 10048, T replaced by C.
Molecular consequence: intron variant.
Genome position (GRCh38, 1-based): chr7:98,994,581, T>C. VCF-style: chr7-98994581-T-C. GRCh37 (hg19) VCF-style: chr7-98592204-T-C.
Other names: c.10006-6T>C (NM_001244580.2); c.9919-6T>C (NM_003496.4).
Identifiers: ClinVar variation 2163135 (VCV002163135.8), dbSNP rs368912785, ClinGen allele CA4361857.